The following is an entry in ClinVar:

NM_000138.5(FBN1):c.7637G>T (p.Gly2546Val)

Gene: FBN1 (fibrillin 1; minus strand). Cytogenetic location: 15q21.1.
Variant type: single nucleotide variant.
Coding change: c.7637G>T on transcript NM_000138.5 (MANE Select); coding-DNA position 7637, G replaced by T.
Protein change: p.Gly2546Val; replaces glycine 2546 with valine.
Molecular consequence: missense variant.
Genome position (GRCh38, 1-based): chr15:48,421,620, C>A on the plus strand (G>T on the coding strand, the complement: FBN1 is on the minus strand). VCF-style: chr15-48421620-C-A. GRCh37 (hg19) VCF-style: chr15-48713817-C-A.
Other names: c.7637G>T, p.Gly2546Val (NM_001406716.1); short protein forms G2546V.
Identifiers: ClinVar variation 2567908 (VCV002567908.3), dbSNP rs2141221873, ClinGen allele CA392325178.
Genomic context (GRCh38, chr15:48,421,620, plus strand): 5'-TCACAGCTGGAGCCGGTCTGATCAAGTGAGAATCCCCGCTGGCATTCACAGGTGAAGCTT[C>A]CAGGAGTGTTCTGGCAAATGCCCTTAGACCCGCACAGATTGATGTCAGAGGTGCATTCAT-3'
Protein context (NP_000129.3, residues 2536-2556): GSKGICQNTP[Gly2546Val]SFTCECQRGF

ClinVar aggregate classification (germline): Uncertain significance (1 of 4 stars; one submission).

Conditions:
Familial thoracic aortic aneurysm and aortic dissection (TAAD). Also called: Thoracic aortic aneurysms and dissections. Identifiers: Orphanet 91387, MedGen C4707243, MONDO:0019625.

Submission:

Ambry Genetics
Classification: Uncertain significance for Familial thoracic aortic aneurysm and aortic dissection. Last evaluated: 2026-01-15. Review status: criteria provided, single submitter. Criteria: Ambry Variant Classification Scheme 2023. Collection method: clinical testing. Allele origin: germline.
Comment: The p.G2546V variant (also known as c.7637G>T), located in coding exon 61 of the FBN1 gene, results from a G to T substitution at nucleotide position 7637. The glycine at codon 2546 is replaced by valine, an amino acid with dissimilar properties. This variant alters a critical glycine in a sterically constrained region and is expected to disrupt FBN1 function (Van Kien PK et al. Hum Mutat. 2010;31(1):E1021-42). This amino acid position is highly conserved in available vertebrate species. In addition, this alteration is predicted to be deleterious by in silico analysis. Based on the available evidence, the clinical significance of this variant remains unclear.